The following is an entry in ClinVar:

NM_003119.4(SPG7):c.735C>G (p.Tyr245Ter)

Gene: SPG7 (SPG7 matrix AAA peptidase subunit, paraplegin; plus strand). Cytogenetic location: 16q24.3.
Variant type: single nucleotide variant.
Coding change: c.735C>G on transcript NM_003119.4 (MANE Select); coding-DNA position 735, C replaced by G.
Protein change: p.Tyr245Ter; replaces tyrosine 245 with a stop codon.
Molecular consequence: nonsense.
Genome position (GRCh38, 1-based): chr16:89,526,445, C>G. VCF-style: chr16-89526445-C-G. GRCh37 (hg19) VCF-style: chr16-89592853-C-G.
Other names: c.735C>G, p.Tyr245Ter (NM_001363850.1, NM_199367.3); short protein forms Y245*.
Identifiers: ClinVar variation 4682480 (VCV004682480.1).

ClinVar aggregate classification (germline): Pathogenic (1 of 4 stars; one submission).

Submission:

Athena Diagnostics
Classification: Pathogenic. Last evaluated: 2025-03-31. Review status: criteria provided, single submitter. Criteria: Athena Diagnostics Criteria. Collection method: clinical testing. Allele origin: unknown.
Comment: This variant is expected to result in the loss of a functional protein. This variant has not been reported in large, multi-ethnic general populations. This variant has been identified in at least one individual with clinical features associated with this gene.

Literature cited by the submitters: PubMed 39624339.